The following is an entry in ClinVar:

ClinVar aggregate classification (germline): Likely benign. Review status: criteria provided, single submitter (1 of 4 stars). 2 submissions from 2 submitters: Likely benign (1). 1 of the submissions does not count toward it. Last evaluated 2019-03-12.

Conditions:
FOXP2-related disorder. Also called: FOXP2-related condition.
Inborn genetic diseases. Identifiers: MedGen C0950123, MeSH D030342.

Submissions (2):

Ambry Genetics
Classification: Likely benign for Inborn genetic diseases. Last evaluated: 2019-03-12. Review status: criteria provided, single submitter. Criteria: Ambry Variant Classification Scheme 2023. Collection method: clinical testing. Allele origin: germline.

PreventionGenetics, part of Exact Sciences
Classification: Likely benign for FOXP2-related condition. Last evaluated: 2023-04-19. Review status: no assertion criteria provided. Collection method: clinical testing. Allele origin: germline. Not counted in ClinVar's aggregate classification.
Comment: This variant is classified as likely benign based on ACMG/AMP sequence variant interpretation guidelines (Richards et al. 2015 PMID: 25741868, with internal and published modifications).

NM_014491.4(FOXP2):c.501_515del (p.Gln187_Gln191del)

Gene: FOXP2 (forkhead box P2; plus strand). Cytogenetic location: 7q31.1.
Variant type: Deletion.
Coding change: c.501_515del on transcript NM_014491.4 (MANE Select); coding-DNA positions 501 to 515, 15 bases deleted (GCAGCAGCAACAACA).
Protein change: p.Gln187_Gln191del.
Molecular consequence: inframe deletion. On other transcripts: non-coding transcript variant (2).
Genome position (GRCh38, 1-based): chr7:114,629,909-114,629,923, GCAGCAGCAACAACA deleted; deleting any 15 consecutive bases within chr7:114,629,895-114,629,923 gives the same sequence; the c. name uses the placement nearest the transcript's 3' end. VCF-style (leftmost placement, unchanged base first): chr7-114629894-ACAGCAGCAACAACAG-A. GRCh37 (hg19) VCF-style: chr7-114269949-ACAGCAGCAACAACAG-A.
Other names: c.501_515del, p.Gln187_Gln191del (NM_001172766.3, NM_148899.3); c.576_590del, p.Gln212_Gln216del (NM_001172767.2, NM_148898.4); c.-849_-835delGCAGCAGCAACAACA (NM_001172777.1); c.552_566del, p.Gln204_Gln208del (NM_148900.4).
Identifiers: ClinVar variation 1744760 (VCV001744760.4), dbSNP rs766947971, ClinGen allele CA4445820.
Genomic context (GRCh38, chr7:114,629,894, plus strand): 5'-GCAAGAGCAGTTACATCTTCAGCTTTTGCAGCAGCAGCAGCAACAGCAGCAGCAGCAACA[ACAGCAGCAACAACAG>A]CAGCAGCAACAACAACAACAACAGCAGCAACAACAGCAGCAGCAGCAGCAACAGCAGCAG-3'